The following is an entry in ClinVar:

ClinVar aggregate classification (germline): Uncertain significance. Review status: criteria provided, multiple submitters, no conflicts (2 of 4 stars). 2 submissions from 2 submitters: Uncertain significance (2). Last evaluated 2026-02-03.

Conditions:
Intellectual developmental disorder, autosomal recessive 61. Also called: MENTAL RETARDATION, AUTOSOMAL RECESSIVE 61; Intellectual disability, autosomal recessive 61; ALWADEI SYNDROME. Identifiers: MedGen C4540424, MONDO:0030915, OMIM 617773.

Allele frequency attached by ClinVar (database versions not stated): TOPMed 0.00007; ExAC 0.00026; gnomAD 0.00005 and 0.00006; gnomAD exomes 0.00007 and 0.00014; 1000 Genomes Project 30x 0.00016; 1000 Genomes Project 0.00020.
gnomAD v4.1: 127 of 1,550,980 alleles (0.0082%); highest among the groups gnomAD compares: East Asian, 0.18%; 1 homozygote.

Submissions (2):

Labcorp Genetics (formerly Invitae), Labcorp
Classification: Uncertain significance. Last evaluated: 2026-02-03. Review status: criteria provided, single submitter. Criteria: Invitae Variant Classification Sherloc (09022015). Collection method: clinical testing. Allele origin: germline.
Comment: This sequence change replaces arginine, which is basic and polar, with glutamine, which is neutral and polar, at codon 1360 of the RUSC2 protein (p.Arg1360Gln). This variant is present in population databases (rs199771651, gnomAD 0.2%). This variant has not been reported in the literature in individuals affected with RUSC2-related conditions. ClinVar contains an entry for this variant (Variation ID: 1434340). An algorithm developed to predict the effect of missense changes on protein structure and function (PolyPhen-2) suggests that this variant is likely to be disruptive. In summary, the available evidence is currently insufficient to determine the role of this variant in disease. Therefore, it has been classified as a Variant of Uncertain Significance.

Department of Pathology and Laboratory Medicine, Sinai Health System
Classification: Uncertain significance for Intellectual developmental disorder, autosomal recessive 61. Last evaluated: 2021-07-30. Review status: criteria provided, single submitter. Criteria: ACMG Guidelines, 2015. Collection method: research. Allele origin: germline.

NM_014806.5(RUSC2):c.4079G>A (p.Arg1360Gln)

Gene: RUSC2 (RUN and SH3 domain containing 2; plus strand). Cytogenetic location: 9p13.3.
Variant type: single nucleotide variant.
Coding change: c.4079G>A on transcript NM_014806.5 (MANE Select); coding-DNA position 4079, G replaced by A.
Protein change: p.Arg1360Gln; replaces arginine 1360 with glutamine.
Molecular consequence: missense variant. On other transcripts: non-coding transcript variant (1).
Genome position (GRCh38, 1-based): chr9:35,560,719, G>A. VCF-style: chr9-35560719-G-A. GRCh37 (hg19) VCF-style: chr9-35560716-G-A.
Other names: c.4079G>A, p.Arg1360Gln (NM_001135999.2); c.1445G>A, p.Arg482Gln (NM_001330740.2); short protein forms R482Q, R1360Q.
Identifiers: ClinVar variation 1434340 (VCV001434340.7), dbSNP rs199771651, ClinGen allele CA5044293.
Genomic context (GRCh38, chr9:35,560,719, plus strand): 5'-GCTGGCCCTTCTGGATGGGGAGCCCCCCTGACTCTGTGCTGGCCGAGCTGAGGCGCAGTC[G>A]GGAGAGGGAAGGGCCCGCTGCCTCGCCAGCAGAAAATGAGGAAGGGGCCTCAGAGCCTTC-3'
Protein context (NP_055621.2, residues 1350-1370): DSVLAELRRS[Arg1360Gln]EREGPAASPA